The following is an entry in ClinVar:

NM_000702.4(ATP1A2):c.1127C>G (p.Thr376Arg)

Gene: ATP1A2 (ATPase Na+/K+ transporting subunit alpha 2; plus strand). Cytogenetic location: 1q23.2.
Variant type: single nucleotide variant.
Coding change: c.1127C>G on transcript NM_000702.4 (MANE Select); coding-DNA position 1127, C replaced by G.
Protein change: p.Thr376Arg; replaces threonine 376 with arginine.
Molecular consequence: missense variant.
Genome position (GRCh38, 1-based): chr1:160,128,761, C>G. VCF-style: chr1-160128761-C-G. GRCh37 (hg19) VCF-style: chr1-160098551-C-G.
Other names: p.T376R:ACG>AGG; short protein forms T376R.
Identifiers: ClinVar variation 204885 (VCV000204885.14), dbSNP rs121918620, ClinGen allele CA313274.

ClinVar aggregate classification (germline): Conflicting classifications of pathogenicity. Review status: criteria provided, conflicting classifications (1 of 4 stars). 4 submissions from 4 submitters: Pathogenic (2); Uncertain significance (2). Last evaluated 2024-03-15.

Conditions:
Familial hemiplegic migraine. Identifiers: MedGen C0338484, MONDO:0000700.

Submissions (4):

Revvity Omics, Revvity
Classification: Uncertain significance. Last evaluated: 2024-03-15. Review status: criteria provided, single submitter. Criteria: ACMG Guidelines, 2015. Collection method: clinical testing. Allele origin: germline.

Labcorp Genetics (formerly Invitae), Labcorp
Classification: Pathogenic for Familial hemiplegic migraine. Last evaluated: 2020-10-03. Review status: criteria provided, single submitter. Criteria: Invitae Variant Classification Sherloc (09022015). Collection method: clinical testing. Allele origin: germline.
Comment: For these reasons, this variant has been classified as Pathogenic. This variant disrupts the p.Thr376 amino acid residue in ATP1A2. Other variant(s) that disrupt this residue have been determined to be pathogenic (PMID: 16088919, 17952365, 18728015). This suggests that this residue is clinically significant, and that variants that disrupt this residue are likely to be disease-causing. This sequence change replaces threonine with arginine at codon 376 of the ATP1A2 protein (p.Thr376Arg). The threonine residue is highly conserved and there is a moderate physicochemical difference between threonine and arginine. This variant is not present in population databases (ExAC no frequency). This variant has been observed in individual(s) with clinical features of alternating hemiplegia of childhood (Invitae). In at least one individual the variant was observed to be de novo. ClinVar contains an entry for this variant (Variation ID: 204885). Algorithms developed to predict the effect of missense changes on protein structure and function (SIFT, PolyPhen-2, Align-GVGD) all suggest that this variant is likely to be disruptive, but these predictions have not been confirmed by published functional studies and their clinical significance is uncertain.

Blueprint Genetics
Classification: Uncertain significance. Last evaluated: 2018-10-22. Review status: criteria provided, single submitter. Criteria: ACMG Guidelines, 2015. Collection method: clinical testing. Allele origin: germline.

GeneDx
Classification: Pathogenic. Last evaluated: 2013-09-04. Review status: criteria provided, single submitter. Criteria: GeneDx Variant Classification (06012015). Collection method: clinical testing. Allele origin: germline. Affected: yes.
Comment: p.Thr376Arg (ACG>AGG): c.1127 C>G in exon 9 of the ATP1A2 gene (NM_000702.3). The Thr376Arg missense change has not been published as a mutation, nor has it been reported as a benign polymorphism to our knowledge. It was not observed in approximately 6,500 individuals of European and African American ancestry in the NHLBI Exome Sequencing Project, indicating it is not a common benign variant in these populations. Thr376Arg is a non-conservative amino acid substitution of an uncharged Threonine residue with a positively charged Arginine residue at a highly conserved position in the intracellular loop between the M4 and M5 transmembrane domains. A different amino acid substitution at the same position (Thr376Met) co-segregated with familial hemiplegic migraine in two unrelated families and was reported to impair catalytic activity, confirming the functional importance of this position in the protein (Riant et al., 2005; Tavraz et al., 2008). The variant is found in EPILEPSY panel(s).

Literature cited by the submitters: PubMed 16088919 (cited by Labcorp Genetics (formerly Invitae), Labcorp); PubMed 17952365 (cited by Labcorp Genetics (formerly Invitae), Labcorp); PubMed 18728015 (cited by Labcorp Genetics (formerly Invitae), Labcorp).